The following is an entry in ClinVar:

NM_005732.4(RAD50):c.2397G>C (p.Gln799His)

Gene: RAD50 (RAD50 double strand break repair protein; plus strand). Cytogenetic location: 5q31.1.
Variant type: single nucleotide variant.
Coding change: c.2397G>C on transcript NM_005732.4 (MANE Select); coding-DNA position 2397, G replaced by C.
Protein change: p.Gln799His; replaces glutamine 799 with histidine.
Molecular consequence: missense variant.
Genome position (GRCh38, 1-based): chr5:132,603,489, G>C. VCF-style: chr5-132603489-G-C. GRCh37 (hg19) VCF-style: chr5-131939181-G-C.
Other names: p.Q799H:CAG>CAC; short protein forms Q799H.
Identifiers: ClinVar variation 128004 (VCV000128004.70), dbSNP rs61749630, ClinGen allele CA331869.
Genomic context (GRCh38, chr5:132,603,489, plus strand): 5'-GCCTGAAGAAGAAAGTGCCAAAGTATGCCTGACAGATGTTACAATTATGGAGAGGTTCCA[G>C]GTAAGTTTATTGTAGTTTAAGGCAGAATAAAACTTGTTCCATGGTGGCTTGAATTTGAAG-3'
Protein context (NP_005723.2, residues 789-809): LTDVTIMERF[Gln799His]MELKDVERKI

ClinVar aggregate classification (germline): Conflicting classifications of pathogenicity. Review status: criteria provided, conflicting classifications (1 of 4 stars). 11 submissions from 11 submitters: Uncertain significance (6); Benign (1); Likely benign (2). 2 of the submissions do not count toward it. Last evaluated 2025-12-08.

Conditions:
RAD50-related disorder. Also called: RAD50-related condition.
Breast cancer, susceptibility to. Identifiers: MedGen C3469522. Disease mechanism: gain of function.
Nijmegen breakage syndrome-like disorder (NBSLD). Also called: MICROCEPHALY AND SPONTANEOUS CHROMOSOME INSTABILITY WITHOUT IMMUNODEFICIENCY; NBS-LIKE DISORDER; RAD50 DEFICIENCY. Identifiers: Orphanet 240760, MedGen C2751318, MONDO:0013118, OMIM 613078.
Hereditary cancer-predisposing syndrome. Also called: Tumor predisposition; Hereditary neoplastic syndrome; Neoplastic Syndromes, Hereditary; Hereditary Cancer Syndrome. Identifiers: Orphanet 140162, MedGen C0027672, MeSH D009386, MONDO:0015356.

Allele frequency attached by ClinVar (database versions not stated): gnomAD exomes 0.00026 and 0.00043; TOPMed 0.00027; gnomAD 0.00034 and 0.00036; ExAC 0.00035; ESP Exome Variant Server 0.00038.
gnomAD v4.1: 670 of 1,613,346 alleles (0.042%); highest among the groups gnomAD compares: Non-Finnish European, 0.052%; no homozygotes.

Submissions (11):

Labcorp Genetics (formerly Invitae), Labcorp
Classification: Benign for Hereditary cancer-predisposing syndrome. Last evaluated: 2025-12-08. Review status: criteria provided, single submitter. Criteria: Invitae Variant Classification Sherloc (09022015). Collection method: clinical testing. Allele origin: germline.

Women's Health and Genetics/Laboratory Corporation of America, LabCorp
Classification: Likely benign. Last evaluated: 2025-11-24. Review status: criteria provided, single submitter. Criteria: LabCorp Variant Classification Summary - May 2015. Collection method: clinical testing. Allele origin: germline.
Comment: Variant summary: RAD50 c.2397G>C (p.Gln799His) results in a non-conservative amino acid change in the encoded protein sequence. Algorithms developed to predict the effect of missense changes on protein structure and function are either unavailable or do not agree on the potential impact of this missense change. Consensus agreement among computation tools predict no significant impact on normal splicing. However, these predictions have yet to be confirmed by functional studies. The variant allele was found at a frequency of 0.00026 in 250734 control chromosomes, predominantly at a frequency of 0.00042 within the Non-Finnish European subpopulation in the gnomAD database. This frequency is not significantly higher than estimated for disease-causing variants in RAD50, but it is higher than the frequency of a common pathogenic RAD50 variant (c.687del/p.Ser229fs). c.2397G>C has been reported in the literature in individuals affected with Hereditary Breast and Ovarian Cancer Syndrome Cancer or other cancers without strong evidence for causality (examples: Damiola_2014, Couch_2015, and Lhota_2016). These report(s) do not provide unequivocal conclusions about association of the variant with Nijmegen Breakage Syndrome-Like Disorder. To our knowledge, no experimental evidence demonstrating an impact on protein function has been reported. The following publications have been ascertained in the context of this evaluation (PMID: 36641486, 25452441, 24894818, 26822949, 26689913, 40282418, 33534223, 35245693, 32321774, 31308508, 26787654, 28102005, 31591497, 31874108, 32205016). ClinVar contains an entry for this variant (Variation ID: 128004). Based on the evidence outlined above, the variant was classified as likely benign.

Quest Diagnostics Nichols Institute San Juan Capistrano
Classification: Uncertain significance. Last evaluated: 2025-08-21. Review status: criteria provided, single submitter. Criteria: Quest Diagnostics criteria. Collection method: clinical testing. Allele origin: unknown.
Comment: The RAD50 c.2397G>C (p.Gln799His) variant has been reported in the published literature in individuals with breast cancer (PMIDs: 23555315 (2013), 25452441 (2015), and 26787654 (2016)). In a large-scale breast cancer association study, this variant has been observed in 76 breast cancer cases and 50 reportedly unaffected individuals (PMID: 33471991 (2021)), see also LOVD). The frequency of this variant in the general population (Genome Aggregation Database) is higher than would generally be expected for pathogenic variants in this gene. Analysis of this variant using bioinformatics tools for the prediction of the effect of amino acid changes on protein structure and function yielded conflicting predictions that this variant is benign or damaging. Based on the available information, we are unable to determine the clinical significance of this variant.

GeneDx
Classification: Uncertain significance. Last evaluated: 2022-06-14. Review status: criteria provided, single submitter. Criteria: GeneDx Variant Classification Process June 2021. Collection method: clinical testing. Allele origin: germline. Affected: yes.
Comment: In silico analysis supports that this missense variant does not alter protein structure/function; Variants in candidate genes are classified as variants of uncertain significance in accordance with ACMG guidelines (Richards 2015); This variant is associated with the following publications: (PMID: 25452441, 24894818, 26822949)

Sema4
Classification: Uncertain significance for Nijmegen breakage syndrome-like disorder. Last evaluated: 2021-10-08. Review status: criteria provided, single submitter. Criteria: Sema4 Curation Guidelines. Collection method: curation. Allele origin: germline.
Comment: The RAD50 c.2397G>C (p.Q799H) variant has been reported in heterozygosity in individuals with breast cancer and stomach cancer (PMID: 25452441, 24894818, 26689913). In a breast cancer case-control analysis, the variant was seen in 76/60466 cases and 50/53461 controls (PMID: 33471991). It was observed in 20/25112 chromosomes of the Finnish subpopulation, with no homozygotes, in the large and broad cohorts of the Genome Aggregation Database (PMID: 32461654). The variant has been reported in ClinVar (Variation ID 128004). This variant is the last nucleotide of exon 14. In silico tools suggest that the variant may have an impact on splicing and that the missense effect on protein function is inconclusive, though these predictions have not been confirmed by functional studies. The evidence is insufficient to meet ACMG/AMP criteria for classifying the variant as benign or pathogenic. Thus, the clinical significance of this variant is currently uncertain.

Fulgent Genetics
Classification: Uncertain significance for Nijmegen breakage syndrome-like disorder. Last evaluated: 2018-10-31. Review status: criteria provided, single submitter. Criteria: ACMG Guidelines, 2015. Collection method: clinical testing. Allele origin: unknown.

Ambry Genetics
Classification: Likely benign for Hereditary cancer-predisposing syndrome. Last evaluated: 2018-10-30. Review status: criteria provided, single submitter. Criteria: Ambry Variant Classification Scheme 2023. Collection method: clinical testing. Allele origin: germline.

CeGaT Center for Human Genetics Tuebingen
Classification: Uncertain significance. Last evaluated: 2017-04-01. Review status: criteria provided, single submitter. Criteria: CeGaT Center For Human Genetics Tuebingen Variant Classification Criteria Version 2. Collection method: clinical testing. Allele origin: germline. Affected: yes. Observed: 1 variant allele.

Institute of Human Genetics, University Hospital of Duesseldorf
Classification: Uncertain significance. Review status: criteria provided, single submitter. Criteria: ACMG Guidelines, 2015. Collection method: not provided. Allele origin: germline. Inheritance: Autosomal dominant inheritance. Affected: yes.

PreventionGenetics, part of Exact Sciences
Classification: Uncertain significance for RAD50-related condition. Last evaluated: 2024-03-28. Review status: no assertion criteria provided. Collection method: clinical testing. Allele origin: germline. Not counted in ClinVar's aggregate classification.
Comment: The RAD50 c.2397G>C variant is predicted to result in the amino acid substitution p.Gln799His. This variant has been reported in individuals with breast cancer (Damiola et al. 2014. PubMed ID: 24894818; Supplementary Table 6, Couch et al. 2015. PubMed ID: 25452441; Mandelker et al. 2017. PubMed ID: 28873162). This variant is reported in 0.080% of alleles in individuals of European (Finnish) descent in gnomAD and has conflicting interpretations of likely benign and uncertain significance in ClinVar. At this time, the clinical significance of this variant is uncertain due to the absence of conclusive functional and genetic evidence.

Counsyl
Classification: Uncertain significance for Nijmegen breakage syndrome-like disorder. Last evaluated: 2017-12-19. Review status: no assertion criteria provided. Collection method: clinical testing. Allele origin: unknown. Not counted in ClinVar's aggregate classification.

Literature cited by the submitters: PubMed 25452441 (cited by 5 submitters); PubMed 26689913 (cited by 5 submitters); PubMed 26787654 (cited by 3 submitters); PubMed 24894818 (cited by 3 submitters); PubMed 26822949 (cited by Women's Health and Genetics/Laboratory Corporation of America, LabCorp); PubMed 31874108 (cited by Women's Health and Genetics/Laboratory Corporation of America, LabCorp); PubMed 31308508 (cited by Women's Health and Genetics/Laboratory Corporation of America, LabCorp and Quest Diagnostics Nichols Institute San Juan Capistrano); PubMed 28102005 (cited by Women's Health and Genetics/Laboratory Corporation of America, LabCorp); PubMed 33534223 (cited by Women's Health and Genetics/Laboratory Corporation of America, LabCorp); PubMed 35245693 (cited by Women's Health and Genetics/Laboratory Corporation of America, LabCorp); PubMed 36641486 (cited by Women's Health and Genetics/Laboratory Corporation of America, LabCorp); PubMed 32321774 (cited by Women's Health and Genetics/Laboratory Corporation of America, LabCorp); PubMed 32205016 (cited by Women's Health and Genetics/Laboratory Corporation of America, LabCorp); PubMed 40282418 (cited by Women's Health and Genetics/Laboratory Corporation of America, LabCorp); PubMed 31591497 (cited by Women's Health and Genetics/Laboratory Corporation of America, LabCorp); PubMed 28873162 (cited by Quest Diagnostics Nichols Institute San Juan Capistrano and Counsyl); PubMed 23555315 (cited by Quest Diagnostics Nichols Institute San Juan Capistrano and Counsyl); PubMed 33471991 (cited by Quest Diagnostics Nichols Institute San Juan Capistrano and Sema4); PubMed 27498913 (cited by Counsyl).